The following is an entry in ClinVar:

NM_000204.5(CFI):c.689T>A (p.Val230Glu)

Gene: CFI (complement factor I; minus strand). Cytogenetic location: 4q25.
Variant type: single nucleotide variant.
Coding change: c.689T>A on transcript NM_000204.5 (MANE Select); coding-DNA position 689, T replaced by A.
Protein change: p.Val230Glu; replaces valine 230 with glutamic acid.
Molecular consequence: missense variant. On other transcripts: non-coding transcript variant (3).
Genome position (GRCh38, 1-based): chr4:109,760,606, A>T on the plus strand (T>A on the coding strand, the complement: CFI is on the minus strand). VCF-style: chr4-109760606-A-T. GRCh37 (hg19) VCF-style: chr4-110681762-A-T.
Other names: c.689T>A, p.Val230Glu (NM_001318057.2, NM_001331035.2, NM_001375278.1 and 10 more transcripts); c.80T>A, p.Val27Glu (NM_001375284.1); short protein forms V230E, V27E.
Identifiers: ClinVar variation 4280554 (VCV004280554.1).
Genomic context (GRCh38, chr4:109,760,606, plus strand): 5'-TGGTCTCCACAATCATTGATACCATCACAGGCTTTCATCTGAGAAATGTATTTCCCATTC[A>T]CACACTGAAAGAAGTCATCCATTGGAGAATCTGTAAAGCAGGAATTATCTTTGTGAAATT-3'
Protein context (NP_000195.3, residues 220-240): DSPMDDFFQC[Val230Glu]NGKYISQMKA

ClinVar aggregate classification (germline): Likely pathogenic (1 of 4 stars; one submission).

Conditions:
CFI-related disorder. Also called: CFI-related condition; CFI-related disorders. Identifiers: MedGen CN239325.

Submission:

Genomenon, Inc
Classification: Likely pathogenic for CFI-related disorder. Last evaluated: 2025-09-26. Review status: criteria provided, single submitter. Criteria: Genomenon Sequence Variant Interpretation Standards - Updated. Collection method: curation. Allele origin: germline. Affected: yes.
Comment: CFI p.Val230Glu (c.689T>A) is a missense variant that changes the amino acid at residue 230 from Valine to Glutamic acid. This variant has been observed in at least one proband affected with a CFI-related disorder (PMID:24799305;32510551). At least one functional study has demonstrated a substantial alteration in protein function relative to the wild-type (PMID:37363824;32510551). It is absent or not present at a significant frequency in gnomAD. In silico models agree that this variant is possibly or probably damaging. In conclusion, we classify CFI p.Val230Glu (c.689T>A) as a likely pathogenic variant.

Literature cited by the submitters: PubMed 24799305; 32510551; 37363824.